The following is an entry in ClinVar:

NM_000235.4(LIPA):c.925G>T (p.Asp309Tyr)

Gene: LIPA (lipase A, lysosomal acid type; minus strand). Cytogenetic location: 10q23.31.
Variant type: single nucleotide variant.
Coding change: c.925G>T on transcript NM_000235.4 (MANE Select); coding-DNA position 925, G replaced by T.
Protein change: p.Asp309Tyr; replaces aspartic acid 309 with tyrosine.
Molecular consequence: missense variant.
Genome position (GRCh38, 1-based): chr10:89,215,979, C>A on the plus strand (G>T on the coding strand, the complement: LIPA is on the minus strand). VCF-style: chr10-89215979-C-A. GRCh37 (hg19) VCF-style: chr10-90975736-C-A.
Other names: c.925G>T, p.Asp309Tyr (NM_001127605.3); c.577G>T, p.Asp193Tyr (NM_001288979.2); short protein forms D193Y, D309Y.
Identifiers: ClinVar variation 1339105 (VCV001339105.3), dbSNP rs2133413594, ClinGen allele CA377516551.

ClinVar aggregate classification (germline): Uncertain significance (1 of 4 stars; one submission).

Conditions:
Lysosomal acid lipase deficiency. Also called: Acid cholesteryl ester hydrolase deficiency, type 2. Identifiers: Orphanet 275761, MedGen C5574740, MONDO:0800449, MONDO:0010204.

Submission:

Neuberg Centre For Genomic Medicine, NCGM
Classification: Uncertain significance for Cholesteryl ester storage disease. Review status: criteria provided, single submitter. Criteria: ACMG Guidelines, 2015. Collection method: clinical testing. Allele origin: germline. Affected: yes.
Comment: The missense variant p.D309Y in LIPA (NM_000235.4) has not been reported previously as a pathogenic variant nor as a benign variant, to our knowledge. The p.D309Y variant is novel (not in any individuals) in gnomAD Exomes and is novel (not in any individuals) in 1000 Genomes. The p.D309Y missense variant is predicted to be damaging by both SIFT and PolyPhen2. The aspartic acid residue at codon 309 of LIPA is conserved in all mammalian species. The nucleotide c.925 in LIPA is predicted conserved by GERP++ and PhyloP across 100 vertebrates. For these reasons, this variant has been classified as Uncertain Significance